The following is an entry in ClinVar:

ClinVar aggregate classification (germline): Uncertain significance (1 of 4 stars; one submission).

Allele frequency attached by ClinVar (database versions not stated): gnomAD exomes below 0.00001; TOPMed below 0.00001.
gnomAD v4.1: 3 of 1,604,968 alleles (0.00019%); highest among the groups gnomAD compares: Non-Finnish European, 0.00026%; no homozygotes.

Submission:

GeneDx
Classification: Uncertain significance. Last evaluated: 2017-09-14. Review status: criteria provided, single submitter. Criteria: GeneDx Variant Classification (06012015). Collection method: clinical testing. Allele origin: germline. Affected: yes.
Comment: A variant of uncertain significance has been identified in the SCARB2 gene.The c.995-7 A>G variant has not been published as a pathogenic variant, nor has it been reported as a benign variant to our knowledge. The c.995-7 A>G variant is not observed in large population cohorts (Lek et al., 2016). Several in-silico splice prediction models predict that c.995-7 A>G creates a cryptic acceptor site which may supplant the natural acceptor site and lead to abnormal gene splicing. However, in the absence of RNA/functional studies, the actual effect of this sequence change in this individual is unknown. Therefore, based on the currently available information, it is unclear whether this variant is a pathogenic variant or a rare benign variant.

NM_005506.4(SCARB2):c.995-7A>G

Gene: SCARB2 (scavenger receptor class B member 2; minus strand). Cytogenetic location: 4q21.1.
Variant type: single nucleotide variant.
Coding change: c.995-7A>G on transcript NM_005506.4 (MANE Select); 7 bases into the intron before coding-DNA position 995, A replaced by G.
Molecular consequence: intron variant.
Genome position (GRCh38, 1-based): chr4:76,169,992, T>C on the plus strand (A>G on the coding strand, the complement: SCARB2 is on the minus strand). VCF-style: chr4-76169992-T-C. GRCh37 (hg19) VCF-style: chr4-77091145-T-C.
Other names: c.566-7A>G (NM_001204255.2).
Identifiers: ClinVar variation 451980 (VCV000451980.2), dbSNP rs1553947630, ClinGen allele CA658657386.